The following is an entry in ClinVar:

ClinVar aggregate classification (germline): Uncertain significance. Review status: criteria provided, multiple submitters, no conflicts (2 of 4 stars). 6 submissions from 6 submitters: Uncertain significance (4). 2 of the submissions do not count toward it. Last evaluated 2025-12-01.

Conditions:
Primary dilated cardiomyopathy (DCM). Also called: Dilated Cardiomyopathy. Identifiers: Orphanet 217604, MedGen C0007193, MeSH D002311, MONDO:0005021, HP:0001644. Inheritance: Various modes of inheritance.
ANKRD1-related dilated cardiomyopathy. Identifiers: MedGen CN119551.
ANKRD1-related disorder. Also called: ANKRD1-related condition.
Cardiovascular phenotype. Identifiers: MedGen CN230736.

Allele frequency attached by ClinVar (database versions not stated): ExAC 0.00001; gnomAD exomes 0.00003; TOPMed 0.00003; gnomAD 0.00005 and 0.00006.
gnomAD v4.1: 26 of 1,613,396 alleles (0.0016%); highest among the groups gnomAD compares: South Asian, 0.0044%; no homozygotes.

Submissions (6):

PreventionGenetics, part of Exact Sciences
Classification: Uncertain significance for ANKRD1-related condition. Last evaluated: 2025-12-01. Review status: criteria provided, single submitter. Criteria: ACMG Guidelines, 2015. Collection method: clinical testing. Allele origin: germline.
Comment: The ANKRD1 c.544C>T variant is predicted to result in the amino acid substitution p.Arg182Cys. To our knowledge, this variant has not been reported in the literature. This variant is reported in 0.0062% of alleles in individuals of European (Non-Finnish) descent in gnomAD. At this time, the clinical significance of this variant is uncertain due to the absence of conclusive functional and genetic evidence.

Labcorp Genetics (formerly Invitae), Labcorp
Classification: Uncertain significance for ANKRD1-related dilated cardiomyopathy. Last evaluated: 2025-10-26. Review status: criteria provided, single submitter. Criteria: Invitae Variant Classification Sherloc (09022015). Collection method: clinical testing. Allele origin: germline.
Comment: This sequence change replaces arginine, which is basic and polar, with cysteine, which is neutral and slightly polar, at codon 182 of the ANKRD1 protein (p.Arg182Cys). This variant is present in population databases (rs754717867, gnomAD 0.007%). This variant has not been reported in the literature in individuals affected with ANKRD1-related conditions. ClinVar contains an entry for this variant (Variation ID: 878325). Invitae Evidence Modeling of protein sequence and biophysical properties (such as structural, functional, and spatial information, amino acid conservation, physicochemical variation, residue mobility, and thermodynamic stability) indicates that this missense variant is not expected to disrupt ANKRD1 protein function with a negative predictive value of 80%. In summary, the available evidence is currently insufficient to determine the role of this variant in disease. Therefore, it has been classified as a Variant of Uncertain Significance.

Ambry Genetics
Classification: Uncertain significance for Cardiovascular phenotype. Last evaluated: 2023-08-14. Review status: criteria provided, single submitter. Criteria: Ambry Variant Classification Scheme 2023. Collection method: clinical testing. Allele origin: germline.

Illumina Laboratory Services, Illumina
Classification: Uncertain significance for Primary dilated cardiomyopathy. Last evaluated: 2018-01-13. Review status: criteria provided, single submitter. Criteria: ICSL Variant Classification Criteria 13 December 2019. Collection method: clinical testing. Allele origin: germline.

Diagnostic Laboratory, Department of Genetics, University Medical Center Groningen
Classification: Uncertain significance. Review status: no assertion criteria provided. Collection method: clinical testing. Allele origin: germline. Affected: yes. Study: VKGL Data-share Consensus. Not counted in ClinVar's aggregate classification.

Genome Diagnostics Laboratory, University Medical Center Utrecht
Classification: Uncertain significance. Review status: no assertion criteria provided. Collection method: clinical testing. Allele origin: germline. Affected: yes. Study: VKGL Data-share Consensus. Not counted in ClinVar's aggregate classification.

NM_014391.3(ANKRD1):c.544C>T (p.Arg182Cys)

Gene: ANKRD1 (ankyrin repeat domain 1; minus strand). Cytogenetic location: 10q23.31.
Variant type: single nucleotide variant.
Coding change: c.544C>T on transcript NM_014391.3 (MANE Select); coding-DNA position 544, C replaced by T.
Protein change: p.Arg182Cys; replaces arginine 182 with cysteine.
Molecular consequence: missense variant.
Genome position (GRCh38, 1-based): chr10:90,917,740, G>A on the plus strand (C>T on the coding strand, the complement: ANKRD1 is on the minus strand). VCF-style: chr10-90917740-G-A. GRCh37 (hg19) VCF-style: chr10-92677497-G-A.
Other names: short protein forms R182C.
Identifiers: ClinVar variation 878325 (VCV000878325.20), dbSNP rs754717867, ClinGen allele CA5598702.
Genomic context (GRCh38, chr10:90,917,740, plus strand): 5'-TTCATATAGTCTACTTCTTTTGGCTCATTCCCAAGCAAAGAAATATATTTACCATATCAC[G>A]GAATTCGATCTGGGCTCCAGCTTCCATTAACTTCTCCACAATTGCCAAATGTCCTTCCAA-3'
Protein context (NP_055206.2, residues 172-192): LMEAGAQIEF[Arg182Cys]DMLESTAIHW